The following is an entry in ClinVar:

NM_014491.4(FOXP2):c.741C>T (p.Gly247=)

Gene: FOXP2 (forkhead box P2; plus strand). Cytogenetic location: 7q31.1.
Variant type: single nucleotide variant.
Coding change: c.741C>T on transcript NM_014491.4 (MANE Select); coding-DNA position 741, C replaced by T.
Protein change: p.Gly247=; no amino-acid change (glycine 247 retained).
Molecular consequence: synonymous variant. On other transcripts: non-coding transcript variant (2).
Genome position (GRCh38, 1-based): chr7:114,631,671, C>T. VCF-style: chr7-114631671-C-T. GRCh37 (hg19) VCF-style: chr7-114271726-C-T.
Other names: NC_000007.13:g.114271726C>T; c.738C>T, p.Gly246= (NM_001172766.3); c.816C>T, p.Gly272= (NM_001172767.2, NM_148898.4); c.741C>T, p.Gly247= (NM_148899.3); c.792C>T, p.Gly264= (NM_148900.4).
Identifiers: ClinVar variation 167097 (VCV000167097.20), dbSNP rs61732741, ClinGen allele CA180055.

ClinVar aggregate classification (germline): Benign. Review status: criteria provided, multiple submitters, no conflicts (2 of 4 stars). 6 submissions from 6 submitters: Benign (5). 1 of the submissions does not count toward it. Last evaluated 2019-12-31.

Conditions:
FOXP2-related disorder. Also called: FOXP2-related condition.
Inborn genetic diseases. Identifiers: MedGen C0950123, MeSH D030342.
Childhood apraxia of speech (SPCH1). Also called: Speech language disorder; SPEECH AND LANGUAGE DISORDER WITH OROFACIAL DYSPRAXIA; FOXP2-Related Speech and Language Disorder; DEVELOPMENTAL VERBAL DYSPRAXIA. Identifiers: Orphanet 209908, MedGen C0750927, MONDO:0011184, OMIM 602081.

Allele frequency attached by ClinVar (database versions not stated): gnomAD 0.01072 and 0.01128; TOPMed 0.01135; ESP Exome Variant Server 0.01199; 1000 Genomes Project 0.01378; 1000 Genomes Project 30x 0.01562.
gnomAD v4.1: 3,151 of 1,614,116 alleles (0.2%); highest among the groups gnomAD compares: African/African-American, 3.7%; 44 homozygotes.

Submissions (11):

Labcorp Genetics (formerly Invitae), Labcorp
Classification: Benign. Last evaluated: 2019-12-31. Review status: criteria provided, single submitter. Criteria: Invitae Variant Classification Sherloc (09022015). Collection method: clinical testing. Allele origin: germline.

Illumina Laboratory Services, Illumina
Classification: Benign for Childhood apraxia of speech. Last evaluated: 2018-01-13. Review status: criteria provided, single submitter. Criteria: ICSL Variant Classification Criteria 13 December 2019. Collection method: clinical testing. Allele origin: germline.
Comment: This variant was observed in the ICSL laboratory as part of a predisposition screen in an ostensibly healthy population. It had not been previously curated by ICSL or reported in the Human Gene Mutation Database (HGMD: prior to June 1st, 2018), and was therefore a candidate for classification through an automated scoring system. Utilizing variant allele frequency, disease prevalence and penetrance estimates, and inheritance mode, an automated score was calculated to assess if this variant is too frequent to cause the disease. Based on the score and internal cut-off values, a variant classified as benign is not then subjected to further curation. The score for this variant resulted in a classification of benign for this disease.

Ambry Genetics
Classification: Benign for Inborn genetic diseases. Last evaluated: 2016-06-21. Review status: criteria provided, single submitter. Criteria: Ambry Variant Classification Scheme 2023. Collection method: clinical testing. Allele origin: germline.

Eurofins Ntd Llc (ga)
Classification: Benign. Last evaluated: 2014-04-17. Review status: criteria provided, single submitter. Criteria: EGL Classification Definitions 2015. Collection method: clinical testing. Allele origin: germline. Observed: 2 variant alleles, 2 heterozygotes.

Breakthrough Genomics
Classification: Benign. Review status: criteria provided, single submitter. Criteria: ACMG Guidelines, 2015. Collection method: not provided. Allele origin: germline. Inheritance: Autosomal dominant inheritance. Affected: yes.

PreventionGenetics, part of Exact Sciences
Classification: Benign for FOXP2-related condition. Last evaluated: 2021-06-15. Review status: no assertion criteria provided. Collection method: clinical testing. Allele origin: germline. Not counted in ClinVar's aggregate classification.
Comment: This variant is classified as benign based on ACMG/AMP sequence variant interpretation guidelines (Richards et al. 2015 PMID: 25741868, with internal and published modifications).

Dr. Peter K. Rogan Lab, Western University
No classification provided (evidence only). Condition: Thyroid cancer, nonmedullary, 1. Review status: no classification provided. Collection method: in vitro. Allele origin: not applicable. Functional consequence: retained intron. Not counted in ClinVar's aggregate classification.

Dr. Peter K. Rogan Lab, Western University
No classification provided (evidence only). Condition: Cervical cancer. Review status: no classification provided. Collection method: in vitro. Allele origin: not applicable. Functional consequence: retained intron. Not counted in ClinVar's aggregate classification.

Dr. Peter K. Rogan Lab, Western University
No classification provided (evidence only). Condition: Uterine carcinosarcoma. Review status: no classification provided. Collection method: in vitro. Allele origin: not applicable. Functional consequence: retained intron. Not counted in ClinVar's aggregate classification.

Dr. Peter K. Rogan Lab, Western University
No classification provided (evidence only). Condition: Malignant tumor of esophagus. Review status: no classification provided. Collection method: in vitro. Allele origin: not applicable. Functional consequence: retained intron. Not counted in ClinVar's aggregate classification.

Dr. Peter K. Rogan Lab, Western University
No classification provided (evidence only). Condition: Malignant tumor of esophagus. Review status: no classification provided. Collection method: in vitro. Allele origin: not applicable. Functional consequence: retained intron. Not counted in ClinVar's aggregate classification.